The following is an entry in ClinVar:

NM_005476.7(GNE):c.1817-81G>C

Gene: GNE (glucosamine (UDP-N-acetyl)-2-epimerase/N-acetylmannosamine kinase; minus strand). Cytogenetic location: 9p13.3.
Variant type: single nucleotide variant.
Coding change: c.1817-81G>C on transcript NM_005476.7 (MANE Select); 81 bases into the intron before coding-DNA position 1817, G replaced by C.
Molecular consequence: intron variant.
Genome position (GRCh38, 1-based): chr9:36,218,380, C>G on the plus strand (G>C on the coding strand, the complement: GNE is on the minus strand). VCF-style: chr9-36218380-C-G. GRCh37 (hg19) VCF-style: chr9-36218377-C-G.
Other names: c.1640-81G>C (NM_001190388.2, NM_001374798.1); c.1910-81G>C (NM_001128227.3); c.1487-81G>C (NM_001190384.3); c.1664-81G>C (NM_001374797.1); c.1595-81G>C (NM_001190383.3).
Identifiers: ClinVar variation 681770 (VCV000681770.5), dbSNP rs2296817, ClinGen allele CA12986049.

ClinVar aggregate classification (germline): Benign. Review status: criteria provided, multiple submitters, no conflicts (2 of 4 stars). 4 submissions from 3 submitters: Benign (4). Last evaluated 2021-07-10.

Conditions:
Sialuria. Also called: SIALURIA, FRENCH TYPE; Sialic Acid Storage Disease. Identifiers: Orphanet 3166, MedGen C0342853, MONDO:0010028, OMIM 269921.
GNE myopathy (NM). Also called: MYOPATHY, DISTAL, WITH OR WITHOUT RIMMED VACUOLES; INCLUSION BODY MYOPATHY, HEREDITARY, AUTOSOMAL RECESSIVE; INCLUSION BODY MYOPATHY 2, AUTOSOMAL RECESSIVE; NONAKA DISTAL MYOPATHY; IBM 2; Inclusion body myopathy autosomal recessive. Identifiers: Orphanet 602, MedGen C1853926, MONDO:0011603, OMIM 605820.

Allele frequency attached by ClinVar (database versions not stated): 1000 Genomes Project 30x 0.11930; 1000 Genomes Project 0.12021; TOPMed 0.14899; gnomAD 0.15724 and 0.15990.
gnomAD v4.1: 170,463 of 943,696 alleles (18%); highest among the groups gnomAD compares: Non-Finnish European, 21%; 16,929 homozygotes.

Submissions (4):

Genome-Nilou Lab
Classification: Benign for Sialuria. Last evaluated: 2021-07-10. Review status: criteria provided, single submitter. Criteria: ACMG Guidelines, 2015. Collection method: clinical testing. Allele origin: germline. Affected: no.

Genome-Nilou Lab
Classification: Benign for GNE myopathy. Last evaluated: 2021-07-10. Review status: criteria provided, single submitter. Criteria: ACMG Guidelines, 2015. Collection method: clinical testing. Allele origin: germline. Affected: no.

GeneDx
Classification: Benign. Last evaluated: 2018-06-19. Review status: criteria provided, single submitter. Criteria: GeneDx Variant Classification (06012015). Collection method: clinical testing. Allele origin: germline. Affected: yes.
Comment: This variant is considered likely benign or benign based on one or more of the following criteria: it is a conservative change, it occurs at a poorly conserved position in the protein, it is predicted to be benign by multiple in silico algorithms, and/or has population frequency not consistent with disease.

Breakthrough Genomics
Classification: Benign. Review status: criteria provided, single submitter. Criteria: ACMG Guidelines, 2015. Collection method: not provided. Allele origin: germline. Inheritance: Autosomal recessive inheritance. Affected: yes.